The following is an entry in ClinVar:

ClinVar aggregate classification (germline): Uncertain significance (1 of 4 stars; one submission).

Conditions:
Hereditary nonpolyposis colorectal neoplasms. Identifiers: MedGen C0009405, MeSH D003123.

Submission:

Labcorp Genetics (formerly Invitae), Labcorp
Classification: Uncertain significance for Hereditary nonpolyposis colorectal neoplasms. Last evaluated: 2017-08-27. Review status: criteria provided, single submitter. Criteria: Invitae Variant Classification Sherloc (09022015). Collection method: clinical testing. Allele origin: germline.
Comment: In summary, the available evidence is currently insufficient to determine the role of this variant in disease. Therefore, it has been classified as a Variant of Uncertain Significance. This sequence change replaces proline with threonine at codon 929 of the MSH6 protein (p.Pro929Thr). The proline residue is highly conserved and there is a small physicochemical difference between proline and threonine. This variant is not present in population databases (ExAC no frequency). This variant has not been reported in the literature in individuals with MSH6-related disease. Algorithms developed to predict the effect of missense changes on protein structure and function (SIFT, PolyPhen-2, Align-GVGD) all suggest that this variant is likely to be disruptive, but these predictions have not been confirmed by published functional studies and their clinical significance is uncertain.

NM_000179.3(MSH6):c.2785C>A (p.Pro929Thr)

Gene: MSH6 (mutS homolog 6; plus strand). Cytogenetic location: 2p16.3.
Variant type: single nucleotide variant.
Coding change: c.2785C>A on transcript NM_000179.3 (MANE Select); coding-DNA position 2785, C replaced by A.
Protein change: p.Pro929Thr; replaces proline 929 with threonine.
Molecular consequence: missense variant.
Genome position (GRCh38, 1-based): chr2:47,800,768, C>A. VCF-style: chr2-47800768-C-A. GRCh37 (hg19) VCF-style: chr2-48027907-C-A.
Other names: c.2395C>A, p.Pro799Thr (NM_001281492.2); c.1879C>A, p.Pro627Thr (NM_001281493.2, NM_001281494.2); short protein forms P929T, P627T, P799T.
Identifiers: ClinVar variation 525812 (VCV000525812.9), dbSNP rs1553414139, ClinGen allele CA346755502.